The following is an entry in ClinVar:

NM_001378418.1(TCF20):c.3347_3348dup (p.Glu1117fs)

Gene: TCF20 (transcription factor 20; minus strand). Cytogenetic location: 22q13.2.
Variant type: Duplication.
Coding change: c.3347_3348dup on transcript NM_001378418.1 (MANE Select); coding-DNA positions 3347 to 3348, 2 bases duplicated (AG; older notation c.3347_3348dupAG).
Protein change: p.Glu1117fs; shifts the reading frame from glutamic acid 1117.
Molecular consequence: frameshift variant.
Genome position (GRCh38, 1-based): chr22:42,211,958-42,211,959, CT duplicated on the plus strand (AG on the coding strand, the reverse complement: TCF20 is on the minus strand). VCF-style (leftmost placement, unchanged base first): chr22-42211957-C-CCT. GRCh37 (hg19) VCF-style: chr22-42607963-C-CCT.
Other names: c.3347_3348dup, p.Glu1117fs (NM_005650.4, NM_181492.3); short protein forms E1117fs.
Identifiers: ClinVar variation 3376262 (VCV003376262.1).

ClinVar aggregate classification (germline): Pathogenic (1 of 4 stars; one submission).

Conditions:
Developmental delay with variable intellectual impairment and behavioral abnormalities. Identifiers: MedGen C5193092, MONDO:0032745, OMIM 618430.

Submission:

Pittsburgh Clinical Genomics Laboratory, University of Pittsburgh Medical Center
Classification: Pathogenic for Developmental delay with variable intellectual impairment and behavioral abnormalities. Last evaluated: 2023-08-28. Review status: criteria provided, single submitter. Criteria: ACMG Guidelines, 2015. Collection method: clinical testing. Allele origin: germline. Inheritance: Autosomal dominant inheritance. Affected: yes.
Comment: This sequence variant is a two nucleotide duplication (dupCT) in exon 2 of 6 of the TCF20 gene and results in an early termition codon 21 amino acids downstream of the frameshift at residue 1117. This variant is predicted to generate a non-functiol allele through either the expression of a truncated protein or a loss of transcription factor 20 expression due to nonsense mediated decay. This is a novel, de novo variant that is absent from ClinVar and from the gnomAD population database (0/~250,000 alleles). Haploinsufficiency in TCF20 is a known mechanism of disease. Based upon the evidence, we consider this variant to be pathogenic. ACMG Criteria: PM2, PS2, PVS1